The following is an entry in ClinVar:

ClinVar aggregate classification (germline): Uncertain significance (1 of 4 stars; one submission).

Conditions:
Emery-Dreifuss muscular dystrophy (EDMD). Also called: Scapuloperoneal syndrome, X-linked (formerly); Humeroperoneal neuromuscular disease, (formerly). Identifiers: Orphanet 261, MedGen C0410189, MONDO:0016830.

Allele frequency attached by ClinVar (database versions not stated): gnomAD 0.00001; TOPMed 0.00001; gnomAD exomes 0.00002; ExAC 0.00003; ESP Exome Variant Server 0.00008.

Submission:

Labcorp Genetics (formerly Invitae), Labcorp
Classification: Uncertain significance for Emery-Dreifuss muscular dystrophy. Last evaluated: 2025-03-13. Review status: criteria provided, single submitter. Criteria: Invitae Variant Classification Sherloc (09022015). Collection method: clinical testing. Allele origin: germline.
Comment: This sequence change replaces glutamic acid, which is acidic and polar, with lysine, which is basic and polar, at codon 424 of the SUN2 protein (p.Glu424Lys). This variant is present in population databases (rs370825322, gnomAD 0.02%). This variant has not been reported in the literature in individuals affected with SUN2-related conditions. ClinVar contains an entry for this variant (Variation ID: 954895). An algorithm developed to predict the effect of missense changes on protein structure and function (PolyPhen-2) suggests that this variant is likely to be disruptive. In summary, the available evidence is currently insufficient to determine the role of this variant in disease. Therefore, it has been classified as a Variant of Uncertain Significance.

NM_015374.3(SUN2):c.1270G>A (p.Glu424Lys)

Genes: GTPBP1 (GTP binding protein 1; plus strand), SUN2 (Sad1 and UNC84 domain containing 2; minus strand). Cytogenetic location: 22q13.1.
Variant type: single nucleotide variant.
Coding change: c.1270G>A on transcript NM_015374.3 (MANE Select); coding-DNA position 1270, G replaced by A.
Protein change: p.Glu424Lys; replaces glutamic acid 424 with lysine.
Molecular consequence: missense variant.
Genome position (GRCh38, 1-based): chr22:38,740,353, C>T on the plus strand (G>A on the coding strand, the complement: SUN2 is on the minus strand). VCF-style: chr22-38740353-C-T. GRCh37 (hg19) VCF-style: chr22-39136358-C-T.
Other names: c.1333G>A, p.Glu445Lys (NM_001199579.2); c.1270G>A, p.Glu424Lys (NM_001199580.2); short protein forms E424K, E445K.
Identifiers: ClinVar variation 954895 (VCV000954895.9), dbSNP rs370825322, ClinGen allele CA10235608.
Genomic context (GRCh38, chr22:38,740,353, plus strand): 5'-GGGGCAGCAGGCCCACTTCTTCCGCCACCGAGCTCTGCTTCAGTGCCAGAGCCGCCAGCT[C>T]CTGCTGCAGGCCGGCCAGCTGGTCCTCCAGCCGCCTCAGCTCCTTCACAGAGCTCTCCTG-3'
Protein context (NP_056189.1, residues 414-434): LEDQLAGLQQ[Glu424Lys]LAALALKQSS